The following is an entry in ClinVar:

ClinVar aggregate classification (germline): Uncertain significance. Review status: criteria provided, multiple submitters, no conflicts (2 of 4 stars). 2 submissions from 2 submitters: Uncertain significance (2). Last evaluated 2024-01-11.

Conditions:
Oto-palato-digital syndrome, type II (OPD2). Also called: FACIOPALATOOSSEOUS SYNDROME; OPD II SYNDROME; Otopalatodigital Syndrome, Type II; Otopalatodigital Syndrome Type 2 (FLNA-OPD2). Identifiers: Orphanet 669, Orphanet 90652, MedGen C1844696, MONDO:0010571, OMIM 304120.
Heterotopia, periventricular, X-linked dominant (PVNH1). Also called: PERIVENTRICULAR NODULAR HETEROTOPIA 1; X-linked periventricular heterotopia; PERIVENTRICULAR NODULAR HETEROTOPIA 4; HETEROTOPIA, PERIVENTRICULAR, 1. Identifiers: Orphanet 2149, Orphanet 82004, MedGen C1848213, MONDO:0010233, OMIM 300049.
Frontometaphyseal dysplasia (FMD1). Identifiers: Orphanet 1826, MedGen C0265293, MONDO:0015942.
Melnick-Needles syndrome (MNS). Also called: MELNICK-NEEDLES OSTEODYSPLASTY; OSTEODYSPLASTY OF MELNICK AND NEEDLES; Melnick-Needles Syndrome (FLNA-MNS). Identifiers: Orphanet 2484, MedGen C0025237, MONDO:0010650, OMIM 309350.

Submissions (2):

GeneDx
Classification: Uncertain significance. Last evaluated: 2024-01-11. Review status: criteria provided, single submitter. Criteria: GeneDx Variant Classification Process June 2021. Collection method: clinical testing. Allele origin: germline. Affected: yes.
Comment: Has not been previously published as pathogenic or benign to our knowledge; Not observed at significant frequency in large population cohorts (gnomAD); In silico analysis suggests this variant may impact gene splicing. In the absence of RNA/functional studies, the actual effect of this sequence change is unknown.

Labcorp Genetics (formerly Invitae), Labcorp
Classification: Uncertain significance for Oto-palato-digital syndrome, type II; Heterotopia, periventricular, X-linked dominant; Frontometaphyseal dysplasia; Melnick-Needles syndrome. Last evaluated: 2023-04-12. Review status: criteria provided, single submitter. Criteria: Invitae Variant Classification Sherloc (09022015). Collection method: clinical testing. Allele origin: germline.
Comment: This sequence change falls in intron 33 of the FLNA gene. It does not directly change the encoded amino acid sequence of the FLNA protein. This variant is not present in population databases (gnomAD no frequency). In summary, the available evidence is currently insufficient to determine the role of this variant in disease. Therefore, it has been classified as a Variant of Uncertain Significance. Algorithms developed to predict the effect of sequence changes on RNA splicing suggest that this variant may create or strengthen a splice site. This variant has not been reported in the literature in individuals affected with FLNA-related conditions.

NM_001110556.2(FLNA):c.5558-12T>C

Gene: FLNA (filamin A; minus strand). Cytogenetic location: Xq28.
Variant type: single nucleotide variant.
Coding change: c.5558-12T>C on transcript NM_001110556.2 (MANE Select); 12 bases into the intron before coding-DNA position 5558, T replaced by C.
Molecular consequence: intron variant.
Genome position (GRCh38, 1-based): chrX:154,354,055, A>G on the plus strand (T>C on the coding strand, the complement: FLNA is on the minus strand). VCF-style: chrX-154354055-A-G. GRCh37 (hg19) VCF-style: chrX-153582423-A-G.
Other names: c.5534-12T>C (NM_001456.4).
Identifiers: ClinVar variation 2932895 (VCV002932895.4), dbSNP rs2522725990, ClinGen allele CA2740090158.